The following is an entry in ClinVar:

NM_017617.5(NOTCH1):c.5019-13A>G

Gene: NOTCH1 (notch receptor 1; minus strand). Cytogenetic location: 9q34.3.
Variant type: single nucleotide variant.
Coding change: c.5019-13A>G on transcript NM_017617.5 (MANE Select); 13 bases into the intron before coding-DNA position 5019, A replaced by G.
Molecular consequence: intron variant.
Genome position (GRCh38, 1-based): chr9:136,503,343, T>C on the plus strand (A>G on the coding strand, the complement: NOTCH1 is on the minus strand). VCF-style: chr9-136503343-T-C. GRCh37 (hg19) VCF-style: chr9-139397795-T-C.
Other names: c.5019-13A>G (LRG_1122t1, NM_017617.4).
Identifiers: ClinVar variation 390505 (VCV000390505.11), dbSNP rs148002954, ClinGen allele CA5340462.
Genomic context (GRCh38, chr9:136,503,343, plus strand): 5'-GAGGCCTGCACACACTGCCGGTTGTCAATCTCCAGGTAGACGATGGAGCTGGGCGGACAA[T>C]CAGAGAGGGGCTGGGACCCGAGGCTTCCTCCTCCCCCGCCCACCGGCCAGGGATGCTGCC-3'

ClinVar aggregate classification (germline): Benign. Review status: criteria provided, multiple submitters, no conflicts (2 of 4 stars). 6 submissions from 5 submitters: Benign (6). Last evaluated 2026-01-26.

Conditions:
Aortic valve disease 1 (AOVD1). Identifiers: MedGen C3887892, MONDO:0024523, OMIM 109730.
Adams-Oliver syndrome 5 (AOS5). Identifiers: Orphanet 974, MedGen C4014970, MONDO:0014459, OMIM 616028.

Allele frequency attached by ClinVar (database versions not stated): gnomAD exomes 0.00056 and 0.00151; ExAC 0.00177; gnomAD 0.00599 and 0.00648; ESP Exome Variant Server 0.00643; TOPMed 0.00677; 1000 Genomes Project 0.00739.
gnomAD v4.1: 1,758 of 1,611,290 alleles (0.11%); highest among the groups gnomAD compares: African/African-American, 2.1%; 13 homozygotes.

Submissions (6):

Labcorp Genetics (formerly Invitae), Labcorp
Classification: Benign for Adams-Oliver syndrome 5. Last evaluated: 2026-01-26. Review status: criteria provided, single submitter. Criteria: Invitae Variant Classification Sherloc (09022015). Collection method: clinical testing. Allele origin: germline.

ARUP Laboratories, Molecular Genetics and Genomics, ARUP Laboratories
Classification: Benign. Last evaluated: 2025-02-12. Review status: criteria provided, single submitter. Criteria: ARUP Molecular Germline Variant Investigation Process 2024. Collection method: clinical testing. Allele origin: germline.

Women's Health and Genetics/Laboratory Corporation of America, LabCorp
Classification: Benign. Last evaluated: 2023-07-21. Review status: criteria provided, single submitter. Criteria: LabCorp Variant Classification Summary - May 2015. Collection method: clinical testing. Allele origin: germline.

Genome-Nilou Lab
Classification: Benign for Adams-Oliver syndrome 5. Last evaluated: 2022-03-15. Review status: criteria provided, single submitter. Criteria: ACMG Guidelines, 2015. Collection method: clinical testing. Allele origin: germline. Affected: no.

Genome-Nilou Lab
Classification: Benign for Aortic valve disease 1. Last evaluated: 2022-03-15. Review status: criteria provided, single submitter. Criteria: ACMG Guidelines, 2015. Collection method: clinical testing. Allele origin: germline. Affected: no.

GeneDx
Classification: Benign. Last evaluated: 2016-11-18. Review status: criteria provided, single submitter. Criteria: GeneDx Variant Classification (06012015). Collection method: clinical testing. Allele origin: germline. Affected: yes.
Comment: This variant is considered likely benign or benign based on one or more of the following criteria: it is a conservative change, it occurs at a poorly conserved position in the protein, it is predicted to be benign by multiple in silico algorithms, and/or has population frequency not consistent with disease.

Literature cited by the submitters: PubMed 16614245 (cited by Women's Health and Genetics/Laboratory Corporation of America, LabCorp); PubMed 19635999 (cited by Women's Health and Genetics/Laboratory Corporation of America, LabCorp); PubMed 19245433 (cited by Women's Health and Genetics/Laboratory Corporation of America, LabCorp); PubMed 22858860 (cited by Women's Health and Genetics/Laboratory Corporation of America, LabCorp).